The following is an entry in ClinVar:

ClinVar aggregate classification (germline): Likely benign (1 of 4 stars; one submission).

Submission:

CeGaT Center for Human Genetics Tuebingen
Classification: Likely benign. Last evaluated: 2022-11-01. Review status: criteria provided, single submitter. Criteria: CeGaT Center For Human Genetics Tuebingen Variant Classification Criteria Version 2. Collection method: clinical testing. Allele origin: germline. Affected: yes. Observed: 1 variant allele.
Comment: SSPOP: BS2

NR_163594.1(SSPO):n.3484G>A

Variant type: single nucleotide variant.
Molecular consequence: non-coding transcript variant (on NR_163594.1).
Genome position: GRCh38 VCF-style: chr7-149787462-G-A. GRCh37 (hg19) VCF-style: chr7-149484550-G-A.
Identifiers: ClinVar variation 2658150 (VCV002658150.23), dbSNP rs188422566, ClinGen allele CA4556071.